The following is an entry in ClinVar:

ClinVar aggregate classification (germline): Uncertain significance (1 of 4 stars; one submission).

Conditions:
Dystonia 12 (DYT12). Also called: DYT-ATP1A3; Rapid-Onset Dystonia-Parkinsonism (RDP). Identifiers: Orphanet 71517, MedGen C1868681, MONDO:0007496, OMIM 128235.

Submission:

Labcorp Genetics (formerly Invitae), Labcorp
Classification: Uncertain significance for Dystonia 12. Last evaluated: 2020-02-19. Review status: criteria provided, single submitter. Criteria: Invitae Variant Classification Sherloc (09022015). Collection method: clinical testing. Allele origin: germline.
Comment: This variant is not present in population databases (ExAC no frequency). This variant, c.376_387del, results in the deletion of 4 amino acid(s) of the ATP1A3 protein (p.Leu126_Val129del), but otherwise preserves the integrity of the reading frame. This variant has not been reported in the literature in individuals with ATP1A3-related conditions. Experimental studies and prediction algorithms are not available or were not evaluated, and the functional significance of this variant is currently unknown. In summary, the available evidence is currently insufficient to determine the role of this variant in disease. Therefore, it has been classified as a Variant of Uncertain Significance.

NM_152296.5(ATP1A3):c.376_387del (p.Leu126_Val129del)

Gene: ATP1A3 (ATPase Na+/K+ transporting subunit alpha 3; minus strand). Cytogenetic location: 19q13.2.
Variant type: Deletion.
Coding change: c.376_387del on transcript NM_152296.5 (MANE Select); coding-DNA positions 376 to 387, 12 bases deleted (CTGGCGGCCGTG).
Protein change: p.Leu126_Val129del.
Molecular consequence: inframe deletion.
Genome position (GRCh38, 1-based): chr19:41,986,200-41,986,211, CACGGCCGCCAG deleted on the plus strand (CTGGCGGCCGTG on the coding strand, the reverse complement: ATP1A3 is on the minus strand); deleting any 12 consecutive bases within chr19:41,986,200-41,986,215 gives the same sequence; the c. name uses the placement nearest the transcript's 3' end. VCF-style (leftmost placement, unchanged base first): chr19-41986199-CCACGGCCGCCAG-C. GRCh37 (hg19) VCF-style: chr19-42490351-CCACGGCCGCCAG-C.
Other names: c.409_420del, p.Leu137_Val140del (NM_001256213.2); c.415_426del, p.Leu139_Val142del (NM_001256214.2).
Identifiers: ClinVar variation 1053961 (VCV001053961.9), dbSNP rs2145980132, ClinGen allele CA2499225502.
Genomic context (GRCh38, chr19:41,986,199, plus strand): 5'-ACTCCATGATCTTGGAGCTCTTGGCCTCCTGGTAGTAGGAGAAGCAGCCAGTGATGATCA[CCACGGCCGCCAG>C]CACGATGCCCAGGTACAGCTGTGGGGAGATGTGGGGATGTTGATCAGGGGCCGCCCAAGC-3'